The following is an entry in ClinVar:

ClinVar aggregate classification (germline): Uncertain significance (1 of 4 stars; one submission).

Conditions:
Early-onset Parkinson disease 20. Also called: PARKINSON DISEASE 20, AUTOSOMAL RECESSIVE EARLY-ONSET. Identifiers: Orphanet 391411, MedGen C3809824, MONDO:0014233, OMIM 615530.
Developmental and epileptic encephalopathy, 53. Also called: Epileptic encephalopathy, early infantile, 53. Identifiers: MedGen C4479313, MONDO:0033362, OMIM 617389.

Submission:

Labcorp Genetics (formerly Invitae), Labcorp
Classification: Uncertain significance for Developmental and epileptic encephalopathy, 53; Early-onset Parkinson disease 20. Last evaluated: 2024-07-01. Review status: criteria provided, single submitter. Criteria: Invitae Variant Classification Sherloc (09022015). Collection method: clinical testing. Allele origin: germline.
Comment: This sequence change creates a premature translational stop signal (p.Leu1557Phefs*3) in the SYNJ1 gene. While this is not anticipated to result in nonsense mediated decay, it is expected to disrupt the last 56 amino acid(s) of the SYNJ1 protein. This variant is not present in population databases (gnomAD no frequency). This variant has not been reported in the literature in individuals affected with SYNJ1-related conditions. ClinVar contains an entry for this variant (Variation ID: 1346321). Experimental studies and prediction algorithms are not available or were not evaluated, and the functional significance of this variant is currently unknown. In summary, the available evidence is currently insufficient to determine the role of this variant in disease. Therefore, it has been classified as a Variant of Uncertain Significance.

NM_203446.3(SYNJ1):c.*641dup

Gene: SYNJ1 (synaptojanin 1; minus strand). Cytogenetic location: 21q22.11.
Variant type: Duplication.
Coding change: c.*641dup on transcript NM_203446.3 (MANE Select); 641 bases downstream of the stop codon, one base duplicated (T; older notation c.*641dupT).
Molecular consequence: 3 prime UTR variant. On other transcripts: frameshift variant (2).
Genome position (GRCh38, 1-based): chr21:32,631,164, A duplicated on the plus strand (T on the coding strand, the reverse complement: SYNJ1 is on the minus strand); the first of 2 consecutive A bases (chr21:32,631,164-32,631,165); duplicating either gives the same sequence. VCF-style (leftmost placement, unchanged base first): chr21-32631163-C-CA. GRCh37 (hg19) VCF-style: chr21-34003473-C-CA.
Other names: c.*640dup (NM_001160302.2); c.4412dup, p.Leu1471fs (NM_001160306.2); c.4669dup, p.Leu1557Phefs (NM_003895.4); short protein forms L1557fs, L1471fs.
Identifiers: ClinVar variation 1346321 (VCV001346321.5), dbSNP rs913236256, ClinGen allele CA319449669.